The following is an entry in ClinVar:

ClinVar aggregate classification (germline): Likely benign (0 of 4 stars; one submission).

Conditions:
STRA6-related disorder. Also called: STRA6-related condition.

Allele frequency attached by ClinVar (database versions not stated): gnomAD exomes below 0.00001; gnomAD 0.00001; TOPMed 0.00001.
gnomAD v4.1: 6 of 1,613,908 alleles (0.00037%); highest among the groups gnomAD compares: Non-Finnish European, 0.00051%; no homozygotes.

Submission:

PreventionGenetics, part of Exact Sciences
Classification: Likely benign for STRA6-related condition. Last evaluated: 2019-08-07. Review status: no assertion criteria provided. Collection method: clinical testing. Allele origin: germline.
Comment: This variant is classified as likely benign based on ACMG/AMP sequence variant interpretation guidelines (Richards et al. 2015 PMID: 25741868, with internal and published modifications).

NM_022369.4(STRA6):c.354C>T (p.Leu118=)

Gene: STRA6 (signaling receptor and transporter of retinol STRA6; minus strand). Cytogenetic location: 15q24.1.
Variant type: single nucleotide variant.
Coding change: c.354C>T on transcript NM_022369.4 (MANE Select); coding-DNA position 354, C replaced by T.
Protein change: p.Leu118=; no amino-acid change (leucine 118 retained).
Molecular consequence: synonymous variant.
Genome position (GRCh38, 1-based): chr15:74,196,060, G>A on the plus strand (C>T on the coding strand, the complement: STRA6 is on the minus strand). VCF-style: chr15-74196060-G-A. GRCh37 (hg19) VCF-style: chr15-74488401-G-A.
Other names: c.354C>T, p.Leu118= (NM_001142617.2, NM_001142618.2, NM_001142620.2); c.327C>T, p.Leu109= (NM_001142619.2); c.465C>T, p.Leu155= (NM_001199040.2); c.399C>T, p.Leu133= (NM_001199041.2); c.471C>T, p.Leu157= (NM_001199042.2).
Identifiers: ClinVar variation 3035622 (VCV003035622.2), dbSNP rs1416535242, ClinGen allele CA491174907.